The following is an entry in ClinVar:

NM_001122630.2(CDKN1C):c.250G>A (p.Val84Met)

Gene: CDKN1C (cyclin dependent kinase inhibitor 1C; minus strand). Cytogenetic location: 11p15.4.
Variant type: single nucleotide variant.
Coding change: c.250G>A on transcript NM_001122630.2 (MANE Select); coding-DNA position 250, G replaced by A.
Protein change: p.Val84Met; replaces valine 84 with methionine.
Molecular consequence: missense variant.
Genome position (GRCh38, 1-based): chr11:2,885,207, C>T on the plus strand (G>A on the coding strand, the complement: CDKN1C is on the minus strand). VCF-style: chr11-2885207-C-T. GRCh37 (hg19) VCF-style: chr11-2906437-C-T.
Other names: c.283G>A, p.Val95Met (NM_000076.2, NM_001362474.2); c.250G>A, p.Val84Met (NM_001122631.2, NM_001362475.2); short protein forms V84M, V95M.
Identifiers: ClinVar variation 1026012 (VCV001026012.6), dbSNP rs762106424, ClinGen allele CA5822220.
Genomic context (GRCh38, chr11:2,885,207, plus strand): 5'-CAGCCACCGCGACCGCGACGGGCCGCGGCGCCAGCAGCAGGCGGCAGCGCCCCACCTGCA[C>T]CGTCTCGCGGTAGAACGCGGGCACCGAGTCGCTGTCCACTTCGGTCCACTGCAGGCGTCC-3'
Protein context (NP_001116102.1, residues 74-94): DSVPAFYRET[Val84Met]QVGRCRLLLA

ClinVar aggregate classification (germline): Uncertain significance (1 of 4 stars; one submission).

Conditions:
Beckwith-Wiedemann syndrome (BWS). Also called: EMG SYNDROME; Exomphalos macroglossia gigantism syndrome. Identifiers: Orphanet 116, MedGen C0004903, MONDO:0007534, OMIM 130650.

Allele frequency attached by ClinVar (database versions not stated): TOPMed below 0.00001; gnomAD 0.00001; gnomAD exomes 0.00001; ExAC 0.00007.

Submission:

Labcorp Genetics (formerly Invitae), Labcorp
Classification: Uncertain significance for Beckwith-Wiedemann syndrome. Last evaluated: 2026-01-13. Review status: criteria provided, single submitter. Criteria: Invitae Variant Classification Sherloc (09022015). Collection method: clinical testing. Allele origin: germline.
Comment: This sequence change replaces valine, which is neutral and non-polar, with methionine, which is neutral and non-polar, at codon 95 of the CDKN1C protein (p.Val95Met). The frequency data for this variant in the population databases is considered unreliable, as metrics indicate poor data quality at this position in the gnomAD database. This variant has not been reported in the literature in individuals affected with CDKN1C-related conditions. ClinVar contains an entry for this variant (Variation ID: 1026012). Invitae Evidence Modeling of protein sequence and biophysical properties (such as structural, functional, and spatial information, amino acid conservation, physicochemical variation, residue mobility, and thermodynamic stability) has been performed for this missense variant. However, the output from this modeling did not meet the statistical confidence thresholds required to predict the impact of this variant on CDKN1C protein function. In summary, the available evidence is currently insufficient to determine the role of this variant in disease. Therefore, it has been classified as a Variant of Uncertain Significance.